The following is an entry in ClinVar:

ClinVar aggregate classification (germline): Pathogenic (1 of 4 stars; one submission).

Conditions:
Autosomal recessive ataxia, Beauce type. Also called: SYNE1 Deficiency; Spinocerebellar ataxia, autosomal recessive 8; ATAXIA, RECESSIVE, OF BEAUCE; SYNE1-Related Autosomal Recessive Cerebellar Ataxia. Identifiers: Orphanet 88644, MedGen C1853116, MONDO:0012549, OMIM 610743.
Emery-Dreifuss muscular dystrophy 4, autosomal dominant (EDMD4). Also called: EMERY-DREIFUSS MUSCULAR DYSTROPHY 4 WITH VARIABLE FEATURES. Identifiers: Orphanet 261, MedGen C2751807, MONDO:0013071, OMIM 612998.

Submission:

Labcorp Genetics (formerly Invitae), Labcorp
Classification: Pathogenic for Emery-Dreifuss muscular dystrophy 4, autosomal dominant; Autosomal recessive ataxia, Beauce type. Last evaluated: 2024-08-06. Review status: criteria provided, single submitter. Criteria: Invitae Variant Classification Sherloc (09022015). Collection method: clinical testing. Allele origin: germline.
Comment: This sequence change creates a premature translational stop signal (p.Glu6695*) in the SYNE1 gene. It is expected to result in an absent or disrupted protein product. Loss-of-function variants in SYNE1 are known to be pathogenic (PMID: 19542096, 24319099, 27086870). This variant is not present in population databases (gnomAD no frequency). This variant has not been reported in the literature in individuals affected with SYNE1-related conditions. ClinVar contains an entry for this variant (Variation ID: 1992518). Algorithms developed to predict the effect of sequence changes on RNA splicing suggest that this variant may disrupt the consensus splice site. For these reasons, this variant has been classified as Pathogenic.

Literature cited by the submitters: PubMed 19542096; PubMed 24319099; PubMed 27086870.

NM_182961.4(SYNE1):c.20296G>T (p.Glu6766Ter)

Gene: SYNE1 (spectrin repeat containing nuclear envelope protein 1; minus strand). Cytogenetic location: 6q25.2.
Variant type: single nucleotide variant.
Coding change: c.20296G>T on transcript NM_182961.4 (MANE Select); coding-DNA position 20296, G replaced by T.
Protein change: p.Glu6766Ter; replaces glutamic acid 6766 with a stop codon.
Molecular consequence: nonsense.
Genome position (GRCh38, 1-based): chr6:152,236,207, C>A on the plus strand (G>T on the coding strand, the complement: SYNE1 is on the minus strand). VCF-style: chr6-152236207-C-A. GRCh37 (hg19) VCF-style: chr6-152557342-C-A.
Other names: c.20083G>T, p.Glu6695Ter (NM_033071.5); short protein forms E6695*, E6766*.
Identifiers: ClinVar variation 1992518 (VCV001992518.4), dbSNP rs2551694835, ClinGen allele CA366122202.